The following is an entry in ClinVar:

ClinVar aggregate classification (germline): Benign/Likely benign. Review status: criteria provided, multiple submitters, no conflicts (2 of 4 stars). 9 submissions from 8 submitters: Benign (6); Likely benign (3). Last evaluated 2026-01-27.

Conditions:
Waardenburg syndrome. Also called: Waardenburg's syndrome. Identifiers: Orphanet 3440, MedGen C3266898, MONDO:0018094.
PCWH syndrome. Also called: WAARDENBURG-SHAH SYNDROME, NEUROLOGIC VARIANT. Identifiers: Orphanet 163746, MedGen C1836727, MONDO:0012198, OMIM 609136.

Allele frequency attached by ClinVar (database versions not stated): 1000 Genomes Project 0.04093; ExAC 0.01292; TOPMed 0.03921; 1000 Genomes Project 30x 0.04482; gnomAD exomes 0.00918 and 0.00345; gnomAD 0.03518 and 0.03745.
gnomAD v4.1: 10,611 of 1,610,100 alleles (0.66%); highest among the groups gnomAD compares: African/African-American, 12%; 570 homozygotes.

Submissions (9):

Labcorp Genetics (formerly Invitae), Labcorp
Classification: Benign. Last evaluated: 2026-01-27. Review status: criteria provided, single submitter. Criteria: Invitae Variant Classification Sherloc (09022015). Collection method: clinical testing. Allele origin: germline.

Mayo Clinic Laboratories, Mayo Clinic
Classification: Benign. Last evaluated: 2019-09-09. Review status: criteria provided, single submitter. Criteria: ACMG Guidelines, 2015. Collection method: clinical testing. Allele origin: germline. Observed: 20 variant alleles.

GeneDx
Classification: Benign. Last evaluated: 2017-10-05. Review status: criteria provided, single submitter. Criteria: GeneDx Variant Classification (06012015). Collection method: clinical testing. Allele origin: germline. Affected: yes.
Comment: This variant is considered likely benign or benign based on one or more of the following criteria: it is a conservative change, it occurs at a poorly conserved position in the protein, it is predicted to be benign by multiple in silico algorithms, and/or has population frequency not consistent with disease.

Illumina Laboratory Services, Illumina
Classification: Likely benign for PCWH syndrome. Last evaluated: 2017-04-27. Review status: criteria provided, single submitter. Criteria: ICSL Variant Classification Criteria 13 December 2019. Collection method: clinical testing. Allele origin: germline.
Comment: This variant was observed as part of a predisposition screen in an ostensibly healthy population. A literature search was performed for the gene, cDNA change, and amino acid change (where applicable). No publications were found based on this search. Allele frequency data from public databases allowed determination this variant is unlikely to cause disease. Therefore, this variant is classified as likely benign.

Illumina Laboratory Services, Illumina
Classification: Likely benign for Waardenburg syndrome. Last evaluated: 2017-04-27. Review status: criteria provided, single submitter. Criteria: ICSL Variant Classification Criteria 13 December 2019. Collection method: clinical testing. Allele origin: germline.
Comment: This variant was observed as part of a predisposition screen in an ostensibly healthy population. A literature search was performed for the gene, cDNA change, and amino acid change (where applicable). Publications were found based on this search. The evidence from the literature, in combination with allele frequency data from public databases where available, was sufficient to determine this variant is unlikely to cause disease. Therefore, this variant is classified as likely benign.

Center for Pediatric Genomic Medicine, Children's Mercy Hospital and Clinics
Classification: Benign. Last evaluated: 2016-09-14. Review status: criteria provided, single submitter. Criteria: ACMG Guidelines, 2015. Collection method: clinical testing. Allele origin: germline.

Laboratory for Molecular Medicine, Mass General Brigham Personalized Medicine
Classification: Benign. Last evaluated: 2015-01-13. Review status: criteria provided, single submitter. Criteria: LMM Criteria. Collection method: clinical testing. Allele origin: germline. Observed: 27 variant alleles.
Comment: p.Tyr83Tyr in exon 2 of SOX10: This variant is not expected to have clinical sig nificance because it does not alter an amino acid residue and is not located wit hin the splice consensus sequence. It has been identified in 11.3% (496/4406) of African American chromosomes from a broad population by the NHLBI Exome Sequenc ing Project (dbSNP rs73415876).

Breakthrough Genomics
Classification: Likely benign. Review status: criteria provided, single submitter. Criteria: ACMG Guidelines, 2015. Collection method: not provided. Allele origin: germline. Inheritance: Autosomal dominant inheritance. Affected: yes.

PreventionGenetics, part of Exact Sciences
Classification: Benign. Review status: criteria provided, single submitter. Criteria: ACMG Guidelines, 2015. Collection method: clinical testing. Allele origin: germline.

Literature cited by the submitters: PubMed 9462749 (cited by Illumina Laboratory Services, Illumina).

NM_006941.4(SOX10):c.249C>T (p.Tyr83=)

Genes: POLR2F (RNA polymerase II, I and III subunit F; plus strand), SOX10 (SRY-box transcription factor 10; minus strand). Cytogenetic location: 22q13.1.
Variant type: single nucleotide variant.
Coding change: c.249C>T on transcript NM_006941.4 (MANE Select); coding-DNA position 249, C replaced by T.
Protein change: p.Tyr83=; no amino-acid change (tyrosine 83 retained).
Molecular consequence: synonymous variant. On other transcripts: intron variant (3).
Genome position (GRCh38, 1-based): chr22:37,983,536, G>A on the plus strand (C>T on the coding strand, the complement: SOX10 is on the minus strand). VCF-style: chr22-37983536-G-A. GRCh37 (hg19) VCF-style: chr22-38379543-G-A.
Other names: p.Tyr83=; c.*38+11226G>A (NM_001363825.1); c.294-2618G>A (NM_001301130.2); c.293+16366G>A (NM_001301131.2).
Identifiers: ClinVar variation 227079 (VCV000227079.21), dbSNP rs73415876, ClinGen allele CA10228704.